The following is an entry in ClinVar:

ClinVar aggregate classification (germline): Uncertain significance. Review status: criteria provided, multiple submitters, no conflicts (2 of 4 stars). 3 submissions from 3 submitters: Uncertain significance (3). Last evaluated 2025-11-05.

Conditions:
Inborn genetic diseases. Identifiers: MedGen C0950123, MeSH D030342.
Perlman syndrome (PRLMNS). Identifiers: Orphanet 2849, MedGen C0796113, MONDO:0009965, OMIM 267000.

Allele frequency attached by ClinVar (database versions not stated): gnomAD 0.00001.
gnomAD v4.1: 1 of 1,614,034 alleles (0.000062%); highest among the groups gnomAD compares: Non-Finnish European, 0.000085%; no homozygotes.

Submissions (3):

Ambry Genetics
Classification: Uncertain significance for Inborn genetic diseases. Last evaluated: 2025-11-05. Review status: criteria provided, single submitter. Criteria: Ambry Variant Classification Scheme 2023. Collection method: clinical testing. Allele origin: germline.

Labcorp Genetics (formerly Invitae), Labcorp
Classification: Uncertain significance for Perlman syndrome. Last evaluated: 2024-08-14. Review status: criteria provided, single submitter. Criteria: Invitae Variant Classification Sherloc (09022015). Collection method: clinical testing. Allele origin: germline.
Comment: This sequence change replaces glutamine, which is neutral and polar, with lysine, which is basic and polar, at codon 183 of the DIS3L2 protein (p.Gln183Lys). This variant is present in population databases (no rsID available, gnomAD 0.007%). This variant has not been reported in the literature in individuals affected with DIS3L2-related conditions. ClinVar contains an entry for this variant (Variation ID: 1045354). An algorithm developed to predict the effect of missense changes on protein structure and function (PolyPhen-2) suggests that this variant is likely to be tolerated. In summary, the available evidence is currently insufficient to determine the role of this variant in disease. Therefore, it has been classified as a Variant of Uncertain Significance.

Sema4
Classification: Uncertain significance for Perlman syndrome. Last evaluated: 2021-12-17. Review status: criteria provided, single submitter. Criteria: Sema4 Curation Guidelines. Collection method: curation. Allele origin: germline.
Comment: The DIS3L2 c.547C>A (p.Q183K) variant has not been reported in the literature to our knowledge. It was observed in 1/15426 chromosomes of the European (non-Finnish) subpopulation in the large and broad cohorts of the Genome Aggregation Database (PMID: 32461654). The variant has been reported in ClinVar (Variation ID 1045354). In silico tools suggest the impact of the variant on protein function is benign, though these predictions have not been confirmed by functional studies. The evidence is insufficient to meet ACMG/AMP criteria for classifying the variant as benign or pathogenic. Thus, the clinical significance of this variant is currently uncertain.

NM_152383.5(DIS3L2):c.547C>A (p.Gln183Lys)

Gene: DIS3L2 (DIS3 like 3'-5' exoribonuclease 2; plus strand). Cytogenetic location: 2q37.1.
Variant type: single nucleotide variant.
Coding change: c.547C>A on transcript NM_152383.5 (MANE Select); coding-DNA position 547, C replaced by A.
Protein change: p.Gln183Lys; replaces glutamine 183 with lysine.
Molecular consequence: missense variant. On other transcripts: non-coding transcript variant (2).
Genome position (GRCh38, 1-based): chr2:232,087,667, C>A. VCF-style: chr2-232087667-C-A. GRCh37 (hg19) VCF-style: chr2-232952377-C-A.
Other names: c.547C>A, p.Gln183Lys (NM_001257281.2, NM_001257282.2); short protein forms Q183K.
Identifiers: ClinVar variation 1045354 (VCV001045354.10), dbSNP rs1173610603, ClinGen allele CA351155219.
Genomic context (GRCh38, chr2:232,087,667, plus strand): 5'-GATGTCATTGTAGAGGCTCAGTTTGATGGCAGCGACTCAGAAGATGGACATGGCATCACA[C>A]AAAATGTGCTGGTTGATGGTGTTAAGAAACTCTCAGTTTGTGTTTCTGAGAAAGGTGAGT-3'
Protein context (NP_689596.4, residues 173-193): SDSEDGHGIT[Gln183Lys]NVLVDGVKKL